The following is an entry in ClinVar:

NM_001378457.1(DMXL2):c.5879A>G (p.Tyr1960Cys)

Gene: DMXL2 (Dmx like 2; minus strand). Cytogenetic location: 15q21.2.
Variant type: single nucleotide variant.
Coding change: c.5879A>G on transcript NM_001378457.1 (MANE Select); coding-DNA position 5879, A replaced by G.
Protein change: p.Tyr1960Cys; replaces tyrosine 1960 with cysteine.
Molecular consequence: missense variant. On other transcripts: non-coding transcript variant (2).
Genome position (GRCh38, 1-based): chr15:51,481,227, T>C on the plus strand (A>G on the coding strand, the complement: DMXL2 is on the minus strand). VCF-style: chr15-51481227-T-C. GRCh37 (hg19) VCF-style: chr15-51773424-T-C.
Other names: c.5879A>G, p.Tyr1960Cys (NM_001174116.3, NM_001378458.1, NM_001378459.1 and 4 more transcripts); c.3971A>G, p.Tyr1324Cys (NM_001174117.3); c.3860A>G, p.Tyr1287Cys (NM_001378460.1); c.5639A>G, p.Tyr1880Cys (NM_001378464.1); short protein forms Y1324C, Y1960C, Y1880C, Y1287C.
Identifiers: ClinVar variation 2121314 (VCV002121314.3), dbSNP rs765521384, ClinGen allele CA7561723.
Genomic context (GRCh38, chr15:51,481,227, plus strand): 5'-TCACCCCAATCAAGATTAAGAGGTTCCTCATCAACTTTTACTATTGGCTGACTCCAGTCA[T>C]ACTGTGATGAAGTTACATTTGACCATTCAATGCCAGAACTTCCATTGCCATCACTCAGAG-3'
Protein context (NP_001365386.1, residues 1950-1970): IEWSNVTSSQ[Tyr1960Cys]DWSQPIVKVD

ClinVar aggregate classification (germline): Uncertain significance (1 of 4 stars; one submission).

Allele frequency attached by ClinVar (database versions not stated): gnomAD exomes below 0.00001; TOPMed below 0.00001; ExAC 0.00002.
gnomAD v4.1: 4 of 1,614,018 alleles (0.00025%); highest among the groups gnomAD compares: South Asian, 0.0022%; 1 homozygote.

Submission:

Labcorp Genetics (formerly Invitae), Labcorp
Classification: Uncertain significance. Last evaluated: 2025-05-27. Review status: criteria provided, single submitter. Criteria: Invitae Variant Classification Sherloc (09022015). Collection method: clinical testing. Allele origin: germline.
Comment: This sequence change replaces tyrosine, which is neutral and polar, with cysteine, which is neutral and slightly polar, at codon 1960 of the DMXL2 protein (p.Tyr1960Cys). This variant is present in population databases (rs765521384, gnomAD 0.007%), including at least one homozygous and/or hemizygous individual. This variant has not been reported in the literature in individuals affected with DMXL2-related conditions. ClinVar contains an entry for this variant (Variation ID: 2121314). An algorithm developed to predict the effect of missense changes on protein structure and function (PolyPhen-2) suggests that this variant is likely to be tolerated. In summary, the available evidence is currently insufficient to determine the role of this variant in disease. Therefore, it has been classified as a Variant of Uncertain Significance.